The following is an entry in ClinVar:

ClinVar aggregate classification (germline): Likely benign (1 of 4 stars; one submission).

gnomAD v4.1: 6 of 1,613,838 alleles (0.00037%); highest among the groups gnomAD compares: Admixed American, 0.01%; no homozygotes.

Submission:

CeGaT Center for Human Genetics Tuebingen
Classification: Likely benign. Last evaluated: 2026-08-01. Review status: criteria provided, single submitter. Criteria: CeGaT Center For Human Genetics Tuebingen Variant Classification Criteria Version 2. Collection method: clinical testing. Allele origin: germline. Affected: yes. Observed: 1 variant allele.
Comment: PLEKHM1: BP4, BP7

NM_014798.3(PLEKHM1):c.435G>A (p.Leu145=)

Gene: PLEKHM1 (pleckstrin homology and RUN domain containing M1; minus strand). Cytogenetic location: 17q21.31.
Variant type: single nucleotide variant.
Coding change: c.435G>A on transcript NM_014798.3 (MANE Select); coding-DNA position 435, G replaced by A.
Protein change: p.Leu145=; no amino-acid change (leucine 145 retained).
Molecular consequence: synonymous variant. On other transcripts: non-coding transcript variant (2).
Genome position (GRCh38, 1-based): chr17:45,475,588, C>T on the plus strand (G>A on the coding strand, the complement: PLEKHM1 is on the minus strand). VCF-style: chr17-45475588-C-T. GRCh37 (hg19) VCF-style: chr17-43552954-C-T.
Other names: c.435G>A, p.Leu145= (NM_001352825.2).
Identifiers: ClinVar variation 5039929 (VCV005039929.1).